The following is an entry in ClinVar:

ClinVar aggregate classification (germline): Pathogenic (1 of 4 stars; one submission).

Conditions:
Familial cancer of breast. Also called: hereditary breast carcinoma; BREAST CANCER, FAMILIAL; Hereditary breast cancer. Identifiers: Orphanet 227535, MedGen C0346153, MONDO:0016419, OMIM 114480. Disease mechanism: loss of function.

Submission:

Labcorp Genetics (formerly Invitae), Labcorp
Classification: Pathogenic for Familial cancer of breast. Last evaluated: 2023-11-25. Review status: criteria provided, single submitter. Criteria: Invitae Variant Classification Sherloc (09022015). Collection method: clinical testing. Allele origin: germline.
Comment: This sequence change creates a premature translational stop signal (p.Ser254Argfs*2) in the PALB2 gene. It is expected to result in an absent or disrupted protein product. Loss-of-function variants in PALB2 are known to be pathogenic (PMID: 17200668, 17200671, 17200672, 24136930, 25099575). This variant is not present in population databases (gnomAD no frequency). This variant has not been reported in the literature in individuals affected with PALB2-related conditions. For these reasons, this variant has been classified as Pathogenic.

Literature cited by the submitters: PubMed 17200668; PubMed 17200671; PubMed 17200672; PubMed 24136930; PubMed 25099575.

NM_024675.4(PALB2):c.759_760del (p.Ser254fs)

Gene: PALB2 (partner and localizer of BRCA2; minus strand). Cytogenetic location: 16p12.2.
Variant type: Deletion.
Coding change: c.759_760del on transcript NM_024675.4 (MANE Select); coding-DNA positions 759 to 760, 2 bases deleted (AT; older notation c.759_760delAT).
Protein change: p.Ser254fs; shifts the reading frame from serine 254.
Molecular consequence: frameshift variant. On other transcripts: 5 prime UTR variant (8), intron variant (3).
Genome position (GRCh38, 1-based): chr16:23,635,786-23,635,787, AT deleted on the plus strand (AT on the coding strand, the reverse complement: PALB2 is on the minus strand); deleting any 2 consecutive bases within chr16:23,635,786-23,635,788 gives the same sequence; the c. name uses the placement nearest the transcript's 3' end. VCF-style (leftmost placement, unchanged base first): chr16-23635785-GAT-G. GRCh37 (hg19) VCF-style: chr16-23647106-GAT-G.
Other names: c.-127_-126del (NM_001407306.1, NM_001407307.1, NM_001407308.1 and 5 more transcripts); c.48+5323_48+5324del (NM_001407314.1); c.-104-5318_-104-5317del (NM_001407313.1, NM_001407312.1); c.699_700del, p.Ser234fs (NM_001407296.1); c.759_760del, p.Ser254fs (NM_001407297.1, NM_001407298.1, NM_001407299.1 and 3 more transcripts); short protein forms S254fs, S234fs.
Identifiers: ClinVar variation 2724743 (VCV002724743.3), dbSNP rs2506500607, ClinGen allele CA2695222975.